The following is an entry in ClinVar:

ClinVar aggregate classification (germline): Pathogenic (1 of 4 stars; one submission).

Submission:

GeneDx
Classification: Pathogenic. Last evaluated: 2018-06-27. Review status: criteria provided, single submitter. Criteria: GeneDx Variant Classification (06012015). Collection method: clinical testing. Allele origin: germline. Affected: yes.
Comment: The c.62delC pathogenic variant in the XYLT1 gene has not been reported previously as a pathogenic variant nor as a benign variant, to our knowledge. The c.62delC variant causes a frameshift starting with codon Alanine 21, changes this amino acid to a Glycine residue, and creates a premature Stop codon at position 173 of the new reading frame, denoted p.Ala21GlyfsX173. This variant is predicted to cause loss of normal protein function either through protein truncation or nonsense-mediated mRNA decay. The c.62delC variant was not observed in approximately 2600 individuals of European and African American ancestry in the NHLBI Exome Sequencing Project, indicating it is not a common benign variant in these populations. We interpret c.62delC as a pathogenic variant.

NM_022166.4(XYLT1):c.62del (p.Ala21fs)

Gene: XYLT1 (xylosyltransferase 1; minus strand). Cytogenetic location: 16p12.3.
Variant type: Deletion.
Coding change: c.62del on transcript NM_022166.4 (MANE Select); coding-DNA position 62, one base deleted (C; older notation c.62delC).
Protein change: p.Ala21fs; shifts the reading frame from alanine 21.
Molecular consequence: frameshift variant.
Genome position (GRCh38, 1-based): chr16:17,470,735, G deleted on the plus strand (C on the coding strand, the reverse complement: XYLT1 is on the minus strand). VCF-style (leftmost placement, unchanged base first): chr16-17470734-CG-C. GRCh37 (hg19) VCF-style: chr16-17564591-CG-C.
Other names: short protein forms A21fs.
Identifiers: ClinVar variation 280402 (VCV000280402.2), dbSNP rs886041616, ClinGen allele CA10603497.